The following is an entry in ClinVar:

ClinVar aggregate classification (germline): Uncertain significance. Review status: criteria provided, multiple submitters, no conflicts (2 of 4 stars). 4 submissions from 4 submitters: Uncertain significance (4). Last evaluated 2025-11-05.

Conditions:
Hereditary cancer-predisposing syndrome. Also called: Hereditary neoplastic syndrome; Neoplastic Syndromes, Hereditary; Tumor predisposition; Hereditary Cancer Syndrome. Identifiers: Orphanet 140162, MedGen C0027672, MeSH D009386, MONDO:0015356.
Pancreatic cancer, susceptibility to, 3. Identifiers: Orphanet 1333, MedGen C3150547, MONDO:0013236, OMIM 613348.
Familial cancer of breast. Also called: BREAST CANCER, FAMILIAL; Hereditary breast cancer; hereditary breast carcinoma. Identifiers: Orphanet 227535, MedGen C0346153, MONDO:0016419, OMIM 114480. Disease mechanism: loss of function.
Fanconi anemia complementation group N. Also called: PALB2-Related Fanconi Anemia. Identifiers: Orphanet 84, MedGen C1835817, MONDO:0012565, OMIM 610832. Disease mechanism: loss of function.

Allele frequency attached by ClinVar (database versions not stated): gnomAD exomes below 0.00001.
gnomAD v4.1: 2 of 1,614,196 alleles (0.00012%); highest among the groups gnomAD compares: African/African-American, 0.0013%; no homozygotes.

Submissions (4):

Labcorp Genetics (formerly Invitae), Labcorp
Classification: Uncertain significance for Familial cancer of breast. Last evaluated: 2025-11-05. Review status: criteria provided, single submitter. Criteria: Invitae Variant Classification Sherloc (09022015). Collection method: clinical testing. Allele origin: germline.
Comment: This sequence change replaces lysine, which is basic and polar, with arginine, which is basic and polar, at codon 601 of the PALB2 protein (p.Lys601Arg). This variant is not present in population databases (gnomAD no frequency). This variant has not been reported in the literature in individuals affected with PALB2-related conditions. ClinVar contains an entry for this variant (Variation ID: 482037). Invitae Evidence Modeling of protein sequence and biophysical properties (such as structural, functional, and spatial information, amino acid conservation, physicochemical variation, residue mobility, and thermodynamic stability) indicates that this missense variant is not expected to disrupt PALB2 protein function with a negative predictive value of 80%. In summary, the available evidence is currently insufficient to determine the role of this variant in disease. Therefore, it has been classified as a Variant of Uncertain Significance.

Ambry Genetics
Classification: Uncertain significance for Hereditary cancer-predisposing syndrome. Last evaluated: 2024-11-18. Review status: criteria provided, single submitter. Criteria: Ambry Variant Classification Scheme 2023. Collection method: clinical testing. Allele origin: germline.
Comment: The p.K601R variant (also known as c.1802A>G), located in coding exon 5 of the PALB2 gene, results from an A to G substitution at nucleotide position 1802. The lysine at codon 601 is replaced by arginine, an amino acid with highly similar properties. This amino acid position is not well conserved in available vertebrate species. In addition, this alteration is predicted to be tolerated by in silico analysis. Since supporting evidence is limited at this time, the clinical significance of this alteration remains unclear.

Fulgent Genetics
Classification: Uncertain significance for Familial cancer of breast; Fanconi anemia complementation group N; Pancreatic cancer, susceptibility to, 3. Last evaluated: 2022-02-08. Review status: criteria provided, single submitter. Criteria: ACMG Guidelines, 2015. Collection method: clinical testing. Allele origin: unknown.

Genetic Services Laboratory, University of Chicago
Classification: Uncertain significance. Last evaluated: 2018-12-04. Review status: criteria provided, single submitter. Criteria: ACMG Guidelines, 2015. Collection method: clinical testing. Allele origin: germline. Affected: no.

NM_024675.4(PALB2):c.1802A>G (p.Lys601Arg)

Gene: PALB2 (partner and localizer of BRCA2; minus strand). Cytogenetic location: 16p12.2.
Variant type: single nucleotide variant.
Coding change: c.1802A>G on transcript NM_024675.4 (MANE Select); coding-DNA position 1802, A replaced by G.
Protein change: p.Lys601Arg; replaces lysine 601 with arginine.
Molecular consequence: missense variant.
Genome position (GRCh38, 1-based): chr16:23,630,352, T>C on the plus strand (A>G on the coding strand, the complement: PALB2 is on the minus strand). VCF-style: chr16-23630352-T-C. GRCh37 (hg19) VCF-style: chr16-23641673-T-C.
Other names: short protein forms K601R.
Identifiers: ClinVar variation 482037 (VCV000482037.12), dbSNP rs1555460644, ClinGen allele CA395128038.